The following is an entry in ClinVar:

NM_206933.4(USH2A):c.8935G>A (p.Val2979Ile)

Gene: USH2A (usherin; minus strand). Cytogenetic location: 1q41.
Variant type: single nucleotide variant.
Coding change: c.8935G>A on transcript NM_206933.4 (MANE Select); coding-DNA position 8935, G replaced by A.
Protein change: p.Val2979Ile; replaces valine 2979 with isoleucine.
Molecular consequence: missense variant.
Genome position (GRCh38, 1-based): chr1:215,845,944, C>T on the plus strand (G>A on the coding strand, the complement: USH2A is on the minus strand). VCF-style: chr1-215845944-C-T. GRCh37 (hg19) VCF-style: chr1-216019286-C-T.
Other names: short protein forms V2979I.
Identifiers: ClinVar variation 1025201 (VCV001025201.12), dbSNP rs769479181, ClinGen allele CA1394445.

ClinVar aggregate classification (germline): Uncertain significance. Review status: criteria provided, multiple submitters, no conflicts (2 of 4 stars). 4 submissions from 3 submitters: Uncertain significance (4). Last evaluated 2024-08-07.

Conditions:
Retinitis pigmentosa 39 (RP39). Identifiers: Orphanet 791, MedGen C3151138, MONDO:0013436, OMIM 613809.
Usher syndrome type 2A. Also called: USHER SYNDROME, TYPE IIA; RETINAL DISEASE IN USHER SYNDROME TYPE IIA, MODIFIER OF. Identifiers: Orphanet 231178, Orphanet 886, MedGen C1848634, MONDO:0010169, OMIM 276901.

Allele frequency attached by ClinVar (database versions not stated): gnomAD exomes below 0.00001; ExAC 0.00001; gnomAD 0.00003 and 0.00004; TOPMed 0.00003.
gnomAD v4.1: 8 of 1,613,792 alleles (0.0005%); highest among the groups gnomAD compares: Admixed American, 0.0083%; no homozygotes.

Submissions (4):

Labcorp Genetics (formerly Invitae), Labcorp
Classification: Uncertain significance. Last evaluated: 2024-08-07. Review status: criteria provided, single submitter. Criteria: Invitae Variant Classification Sherloc (09022015). Collection method: clinical testing. Allele origin: germline.
Comment: This sequence change replaces valine, which is neutral and non-polar, with isoleucine, which is neutral and non-polar, at codon 2979 of the USH2A protein (p.Val2979Ile). This variant is present in population databases (rs769479181, gnomAD 0.0009%). This variant has not been reported in the literature in individuals affected with USH2A-related conditions. ClinVar contains an entry for this variant (Variation ID: 1025201). Advanced modeling of protein sequence and biophysical properties (such as structural, functional, and spatial information, amino acid conservation, physicochemical variation, residue mobility, and thermodynamic stability) performed at Invitae indicates that this missense variant is not expected to disrupt USH2A protein function with a negative predictive value of 95%. In summary, the available evidence is currently insufficient to determine the role of this variant in disease. Therefore, it has been classified as a Variant of Uncertain Significance.

Genome-Nilou Lab
Classification: Uncertain significance for Retinitis pigmentosa 39. Last evaluated: 2023-11-04. Review status: criteria provided, single submitter. Criteria: ACMG Guidelines, 2015. Collection method: clinical testing. Allele origin: germline. Affected: no.

Genome-Nilou Lab
Classification: Uncertain significance for Usher syndrome type 2A. Last evaluated: 2023-11-04. Review status: criteria provided, single submitter. Criteria: ACMG Guidelines, 2015. Collection method: clinical testing. Allele origin: germline. Affected: no.

GeneDx
Classification: Uncertain significance. Last evaluated: 2021-06-15. Review status: criteria provided, single submitter. Criteria: GeneDx Variant Classification Process June 2021. Collection method: clinical testing. Allele origin: germline. Affected: yes.
Comment: Not observed at significant frequency in large population cohorts (Lek et al., 2016); In silico analysis supports that this missense variant does not alter protein structure/function; Has not been previously published as pathogenic or benign to our knowledge; This variant is associated with the following publications: (PMID: 27535533)